The following is an entry in ClinVar:

ClinVar aggregate classification (germline): Benign (1 of 4 stars; one submission).

Allele frequency attached by ClinVar (database versions not stated): 1000 Genomes Project 30x 0.34057; 1000 Genomes Project 0.34285; TOPMed 0.43165; gnomAD 0.44553.
gnomAD v4.1: 183,370 of 385,292 alleles (48%); highest among the groups gnomAD compares: Non-Finnish European, 57%; 46,833 homozygotes.

Submission:

GeneDx
Classification: Benign. Last evaluated: 2018-06-19. Review status: criteria provided, single submitter. Criteria: GeneDx Variant Classification (06012015). Collection method: clinical testing. Allele origin: germline. Affected: yes.
Comment: This variant is considered likely benign or benign based on one or more of the following criteria: it is a conservative change, it occurs at a poorly conserved position in the protein, it is predicted to be benign by multiple in silico algorithms, and/or has population frequency not consistent with disease.

NM_198904.4(GABRG2):c.631+1046C>T

Gene: GABRG2 (gamma-aminobutyric acid type A receptor subunit gamma2; plus strand). Cytogenetic location: 5q34.
Variant type: single nucleotide variant.
Coding change: c.631+1046C>T on transcript NM_198904.4 (MANE Select); 1046 bases into the intron after coding-DNA position 631, C replaced by T.
Molecular consequence: intron variant.
Genome position (GRCh38, 1-based): chr5:162,102,363, C>T. VCF-style: chr5-162102363-C-T. GRCh37 (hg19) VCF-style: chr5-161529369-C-T.
Other names: c.631+1046C>T (NM_000816.3, NM_001375344.1, NM_001375340.1 and 2 more transcripts); c.346+1046C>T (NM_001375349.1); c.632-191C>T (NM_001375343.1, NM_198903.2); c.211+1046C>T (NM_001375350.1, NM_001375348.1); c.622+1046C>T (NM_001375339.1); c.565+1046C>T (NM_001375346.1, NM_001375345.1); c.544+1046C>T (NM_001375347.1).
Identifiers: ClinVar variation 681742 (VCV000681742.1), dbSNP rs211036, ClinGen allele CA131112182.
Genomic context (GRCh38, chr5:162,102,363, plus strand): 5'-GCTTTAGAGAGATAAGCCTTCCTTTCTTTTAATACTCCAATTGGGACTACTTCTTTCTTG[C>T]GTCAGCTAAAATTCAAGAACTGTTGATTTCTCTGCCATCAGGTGGCCAGTTGAAAATGAT-3'